The following is an entry in ClinVar:

ClinVar aggregate classification (germline): Likely pathogenic. Review status: criteria provided, single submitter (1 of 4 stars). 2 submissions from 2 submitters: Likely pathogenic (1). 1 of the submissions does not count toward it. Last evaluated 2021-01-11.

Conditions:
Dystrophin deficiency.
Becker muscular dystrophy (BMD). Also called: MUSCULAR DYSTROPHY, PSEUDOHYPERTROPHIC PROGRESSIVE, BECKER TYPE; Becker Muscular Dystrophy (BMD). Identifiers: Orphanet 98895, MedGen C0917713, MONDO:0010311, OMIM 300376.
Duchenne muscular dystrophy (DMD). Also called: MUSCULAR DYSTROPHY, PSEUDOHYPERTROPHIC PROGRESSIVE, DUCHENNE TYPE; Duchenne Muscular Dystrophy (DMD). Identifiers: Orphanet 98896, MedGen C0013264, MONDO:0010679, OMIM 310200.
Cardiomyopathy (CMYO). Also called: Cardiomyopathies. Identifiers: Orphanet 167848, MedGen C0878544, MONDO:0004994, HP:0001638. Inheritance: Various modes of inheritance.
Neuromuscular disease caused by qualitative or quantitative defects of dystrophin. Also called: Qualitative or quantitative defects of dystrophin. Identifiers: Orphanet 207085, MedGen C5679787, MONDO:0016147.

Submissions (2):

Women's Health and Genetics/Laboratory Corporation of America, LabCorp
Classification: Likely pathogenic for Neuromuscular disease caused by qualitative or quantitative defects of dystrophin. Last evaluated: 2021-01-11. Review status: criteria provided, single submitter. Criteria: LabCorp Variant Classification Summary - May 2015. Collection method: clinical testing. Allele origin: germline.
Comment: Variant summary: DMD c.6823G>T (p.Gly2275X) results in a premature termination codon, predicted to cause a truncation of the encoded protein or absence of the protein due to nonsense mediated decay, which are commonly known mechanisms for disease. The variant was absent in 183203 control chromosomes (gnomAD). To our knowledge, no occurrence of c.6823G>T in individuals affected with Dystrophinopathies and no experimental evidence demonstrating its impact on protein function have been reported. No clinical diagnostic laboratories have submitted clinical-significance assessments for this variant to ClinVar after 2014. Based on the evidence outlined above, the variant was classified as likely pathogenic.

Natera, Inc.
Classification: Likely pathogenic for Becker muscular dystrophy; Cardiomyopathy; Duchenne muscular dystrophy; Dystrophin deficiency. Last evaluated: 2020-12-03. Review status: no assertion criteria provided. Collection method: clinical testing. Allele origin: germline. Not counted in ClinVar's aggregate classification.

NM_004006.3(DMD):c.6823G>T (p.Gly2275Ter)

Gene: DMD (dystrophin; minus strand). Cytogenetic location: Xp21.1.
Variant type: single nucleotide variant.
Coding change: c.6823G>T on transcript NM_004006.3 (MANE Select); coding-DNA position 6823, G replaced by T.
Protein change: p.Gly2275Ter; replaces glycine 2275 with a stop codon.
Molecular consequence: nonsense. On other transcripts: 5 prime UTR variant (5).
Genome position (GRCh38, 1-based): chrX:31,929,685, C>A on the plus strand (G>T on the coding strand, the complement: DMD is on the minus strand). VCF-style: chrX-31929685-C-A. GRCh37 (hg19) VCF-style: chrX-31947802-C-A.
Other names: c.6799G>T, p.Gly2267Ter (NM_000109.4); c.6811G>T, p.Gly2271Ter (NM_004009.3); c.6454G>T, p.Gly2152Ter (NM_004010.3); c.2800G>T, p.Gly934Ter (NM_004011.4); c.2791G>T, p.Gly931Ter (NM_004012.4); c.-558G>T (NM_004013.3, NM_004020.4, NM_004021.3 and 2 more transcripts); short protein forms G2152*, G2267*, G2271*, G2275*, G931*, G934*.
Identifiers: ClinVar variation 996225 (VCV000996225.2), dbSNP rs2094828872, ClinGen allele CA412657942.